The following is an entry in ClinVar:

ClinVar aggregate classification (germline): Uncertain significance (1 of 4 stars; one submission).

Conditions:
Hereditary cancer-predisposing syndrome. Also called: Neoplastic Syndromes, Hereditary; Tumor predisposition; Hereditary neoplastic syndrome; Hereditary Cancer Syndrome. Identifiers: Orphanet 140162, MedGen C0027672, MeSH D009386, MONDO:0015356.

Submission:

Ambry Genetics
Classification: Uncertain significance for Hereditary cancer-predisposing syndrome. Last evaluated: 2026-06-17. Review status: criteria provided, single submitter. Criteria: Ambry Variant Classification Scheme 2023. Collection method: clinical testing. Allele origin: germline.
Comment: The p.S612C variant (also known as c.1835C>G), located in coding exon 19 of the RB1 gene, results from a C to G substitution at nucleotide position 1835. The serine at codon 612 is replaced by cysteine, an amino acid with dissimilar properties. This amino acid position is conserved. In addition, this alteration is predicted to be deleterious by in silico analysis. Based on the available evidence, the clinical significance of this variant remains unclear.

NM_000321.3(RB1):c.1835C>G (p.Ser612Cys)

Gene: RB1 (RB transcriptional corepressor 1; plus strand). Cytogenetic location: 13q14.2.
Variant type: single nucleotide variant.
Coding change: c.1835C>G on transcript NM_000321.3 (MANE Select); coding-DNA position 1835, C replaced by G.
Protein change: p.Ser612Cys; replaces serine 612 with cysteine.
Molecular consequence: missense variant.
Genome position (GRCh38, 1-based): chr13:48,456,224, C>G. VCF-style: chr13-48456224-C-G. GRCh37 (hg19) VCF-style: chr13-49030360-C-G.
Other names: c.1835C>G, p.Ser612Cys (NM_001407165.1); short protein forms S612C.
Identifiers: ClinVar variation 5027915 (VCV005027915.1).
Genomic context (GRCh38, chr13:48,456,224, plus strand): 5'-GCCAACTTGAAATGAAGACTTTTCCTTTAAATATATCTAGGTATCTTTCTCCTGTAAGAT[C>G]TCCAAAGAAAAAAGGTTCAACTACGCGTGTAAATTCTACTGCAAATGCAGAGACACAAGC-3'
Protein context (NP_000312.2, residues 602-622): AADMYLSPVR[Ser612Cys]PKKKGSTTRV